The following is an entry in ClinVar:

ClinVar aggregate classification (germline): Uncertain significance (1 of 4 stars; one submission).

Conditions:
Cardiovascular phenotype. Identifiers: MedGen CN230736.

gnomAD v4.1: 1 of 1,613,964 alleles (0.000062%); no homozygotes.

Submission:

Ambry Genetics
Classification: Uncertain significance for Cardiovascular phenotype. Last evaluated: 2025-12-21. Review status: criteria provided, single submitter. Criteria: Ambry Variant Classification Scheme 2023. Collection method: clinical testing. Allele origin: germline.
Comment: The p.Y168S variant (also known as c.503A>C), located in coding exon 5 of the SPRED1 gene, results from an A to C substitution at nucleotide position 503. The tyrosine at codon 168 is replaced by serine, an amino acid with dissimilar properties. This amino acid position is conserved. In addition, the in silico prediction for this alteration is inconclusive. Based on the available evidence, the clinical significance of this variant remains unclear.

NM_152594.3(SPRED1):c.503A>C (p.Tyr168Ser)

Gene: SPRED1 (sprouty related EVH1 domain containing 1; plus strand). Cytogenetic location: 15q14.
Variant type: single nucleotide variant.
Coding change: c.503A>C on transcript NM_152594.3 (MANE Select); coding-DNA position 503, A replaced by C.
Protein change: p.Tyr168Ser; replaces tyrosine 168 with serine.
Molecular consequence: missense variant.
Genome position (GRCh38, 1-based): chr15:38,339,816, A>C. VCF-style: chr15-38339816-A-C. GRCh37 (hg19) VCF-style: chr15-38632017-A-C.
Other names: short protein forms Y168S.
Identifiers: ClinVar variation 4843966 (VCV004843966.1).